The following is an entry in ClinVar:

NM_207037.2(TCF12):c.1885C>G (p.Gln629Glu)

Gene: TCF12 (transcription factor 12; plus strand). Cytogenetic location: 15q21.3.
Variant type: single nucleotide variant.
Coding change: c.1885C>G on transcript NM_207037.2 (MANE Select); coding-DNA position 1885, C replaced by G.
Protein change: p.Gln629Glu; replaces glutamine 629 with glutamic acid.
Molecular consequence: missense variant.
Genome position (GRCh38, 1-based): chr15:57,273,169, C>G. VCF-style: chr15-57273169-C-G. GRCh37 (hg19) VCF-style: chr15-57565367-C-G.
Other names: c.1375C>G, p.Gln459Glu (NM_001306219.3); c.1105C>G, p.Gln369Glu (NM_001306220.3); c.1885C>G, p.Gln629Glu (NM_001322151.2, NM_001322159.3, NM_001322162.2 and 1 more transcripts); c.1882C>G, p.Gln628Glu (NM_001322152.2, NM_001322161.2); c.1228C>G, p.Gln410Glu (NM_001322154.2); c.1711C>G, p.Gln571Glu (NM_001322156.2); c.1813C>G, p.Gln605Glu (NM_001322157.3, NM_001322165.2, NM_003205.4 and 1 more transcripts); c.1639C>G, p.Gln547Glu (NM_001322158.2); and 2 more; short protein forms Q369E, Q410E, Q435E, Q459E, Q547E, Q571E, Q605E, Q617E.
Identifiers: ClinVar variation 3600556 (VCV003600556.1).

ClinVar aggregate classification (germline): Uncertain significance (1 of 4 stars; one submission).

Submission:

GeneDx
Classification: Uncertain significance. Last evaluated: 2024-07-25. Review status: criteria provided, single submitter. Criteria: GeneDx Variant Classification Process June 2021. Collection method: clinical testing. Allele origin: germline. Affected: yes.
Comment: Not observed at significant frequency in large population cohorts (gnomAD); In silico analysis supports that this missense variant has a deleterious effect on protein structure/function; Has not been previously published as pathogenic or benign to our knowledge